The following is an entry in ClinVar:

NM_025144.4(ALPK1):c.2380A>C (p.Ser794Arg)

Gene: ALPK1 (alpha kinase 1; plus strand). Cytogenetic location: 4q25.
Variant type: single nucleotide variant.
Coding change: c.2380A>C on transcript NM_025144.4 (MANE Select); coding-DNA position 2380, A replaced by C.
Protein change: p.Ser794Arg; replaces serine 794 with arginine.
Molecular consequence: missense variant.
Genome position (GRCh38, 1-based): chr4:112,431,927, A>C. VCF-style: chr4-112431927-A-C. GRCh37 (hg19) VCF-style: chr4-113353083-A-C.
Other names: c.2380A>C, p.Ser794Arg (NM_001102406.2); c.2146A>C, p.Ser716Arg (NM_001253884.2); short protein forms S716R, S794R.
Identifiers: ClinVar variation 1719152 (VCV001719152.5), dbSNP rs1467141335, ClinGen allele CA357899381.

ClinVar aggregate classification (germline): Uncertain significance (1 of 4 stars; one submission).

Submission:

Labcorp Genetics (formerly Invitae), Labcorp
Classification: Uncertain significance. Last evaluated: 2022-09-10. Review status: criteria provided, single submitter. Criteria: Invitae Variant Classification Sherloc (09022015). Collection method: clinical testing. Allele origin: germline.
Comment: This sequence change replaces serine, which is neutral and polar, with arginine, which is basic and polar, at codon 794 of the ALPK1 protein (p.Ser794Arg). This variant is not present in population databases (gnomAD no frequency). This variant has not been reported in the literature in individuals affected with ALPK1-related conditions. Advanced modeling of protein sequence and biophysical properties (such as structural, functional, and spatial information, amino acid conservation, physicochemical variation, residue mobility, and thermodynamic stability) performed at Invitae indicates that this missense variant is not expected to disrupt ALPK1 protein function. In summary, the available evidence is currently insufficient to determine the role of this variant in disease. Therefore, it has been classified as a Variant of Uncertain Significance.